The following is an entry in ClinVar:

NM_207361.6(FREM2):c.6806C>A (p.Ser2269Ter)

Gene: FREM2 (FRAS1 related extracellular matrix 2; plus strand). Cytogenetic location: 13q13.3.
Variant type: single nucleotide variant.
Coding change: c.6806C>A on transcript NM_207361.6 (MANE Select); coding-DNA position 6806, C replaced by A.
Protein change: p.Ser2269Ter; replaces serine 2269 with a stop codon.
Molecular consequence: nonsense.
Genome position (GRCh38, 1-based): chr13:38,851,749, C>A. VCF-style: chr13-38851749-C-A. GRCh37 (hg19) VCF-style: chr13-39425886-C-A.
Other names: short protein forms S2269*.
Identifiers: ClinVar variation 2860516 (VCV002860516.3), dbSNP rs148249231, ClinGen allele CA387897114.

ClinVar aggregate classification (germline): Pathogenic (1 of 4 stars; one submission).

Submission:

Labcorp Genetics (formerly Invitae), Labcorp
Classification: Pathogenic. Last evaluated: 2023-10-24. Review status: criteria provided, single submitter. Criteria: Invitae Variant Classification Sherloc (09022015). Collection method: clinical testing. Allele origin: germline.
Comment: This sequence change creates a premature translational stop signal (p.Ser2269*) in the FREM2 gene. It is expected to result in an absent or disrupted protein product. Loss-of-function variants in FREM2 are known to be pathogenic (PMID: 18203166, 26552811). This variant is not present in population databases (gnomAD no frequency). This variant has not been reported in the literature in individuals affected with FREM2-related conditions. For these reasons, this variant has been classified as Pathogenic.

Literature cited by the submitters: PubMed 18203166; PubMed 26552811.